The following is an entry in ClinVar:

NM_002087.4(GRN):c.138+1G>A

Gene: GRN (granulin precursor; plus strand). Cytogenetic location: 17q21.31.
Variant type: single nucleotide variant.
Coding change: c.138+1G>A on transcript NM_002087.4 (MANE Select); the canonical splice donor site of the intron after coding-DNA position 138, G replaced by A.
Molecular consequence: splice donor variant.
Genome position (GRCh38, 1-based): chr17:44,349,303, G>A. VCF-style: chr17-44349303-G-A. GRCh37 (hg19) VCF-style: chr17-42426671-G-A.
Identifiers: ClinVar variation 98126 (VCV000098126.9), dbSNP rs63749844, ClinGen allele CA225213.

ClinVar aggregate classification (germline): Pathogenic. Review status: criteria provided, single submitter (1 of 4 stars). 2 submissions from 2 submitters: Pathogenic (1). 1 of the submissions does not count toward it. Last evaluated 2025-12-22.

Conditions:
GRN-related frontotemporal lobar degeneration with Tdp43 inclusions (FTD2). Also called: DEMENTIA, HEREDITARY DYSPHASIC DISINHIBITION; FRONTOTEMPORAL LOBAR DEGENERATION WITH UBIQUITIN-POSITIVE INCLUSIONS; FTLD-TDP, GRN-RELATED; FRONTOTEMPORAL DEMENTIA WITH TDP43 INCLUSIONS, GRN-RELATED; GRN Frontotemporal Dementia. Identifiers: Orphanet 100070, Orphanet 282, MedGen C1843792, MONDO:0011842, OMIM 607485. Disease mechanism: loss of function.
Neuronal ceroid lipofuscinosis 11. Also called: GRN-Related Neuronal Ceroid-Lipofuscinosis. Identifiers: Orphanet 314629, Orphanet 79262, MedGen C3539123, MONDO:0013866, OMIM 614706.

Submissions (2):

Labcorp Genetics (formerly Invitae), Labcorp
Classification: Pathogenic for Neuronal ceroid lipofuscinosis 11; GRN-related frontotemporal lobar degeneration with Tdp43 inclusions. Last evaluated: 2025-12-22. Review status: criteria provided, single submitter. Criteria: Invitae Variant Classification Sherloc (09022015). Collection method: clinical testing. Allele origin: germline.
Comment: This sequence change affects a donor splice site in intron 2 of the GRN gene. RNA analysis indicates that disruption of this splice site induces altered splicing and is likely to result in the loss of the initiator methionine. This variant is not present in population databases (gnomAD no frequency). Disruption of this splice site has been observed in individual(s) with frontotemporal lobar degeneration (PMID: 16950801). ClinVar contains an entry for this variant (Variation ID: 98126). Studies have shown that disruption of this splice site results in skipping of the first coding exon, and is expected to result in the loss of the initiator methionine (PMID: 1695080). Other variant(s) that result in deletion of the first coding exon have been determined to be pathogenic (internal data). This suggests that this variant may also be clinically significant and likely to be disease-causing. For these reasons, this variant has been classified as Pathogenic.

VIB  Department of Molecular Genetics, University of Antwerp
No classification provided. Review status: no classification provided. Collection method: not provided. Allele origin: unknown. Not counted in ClinVar's aggregate classification.

Literature cited by the submitters: PubMed 16950801 (cited by Labcorp Genetics (formerly Invitae), Labcorp); PubMed 1695080 (cited by Labcorp Genetics (formerly Invitae), Labcorp).